The following is an entry in ClinVar:

ClinVar aggregate classification (germline): Uncertain significance (1 of 4 stars; one submission).

gnomAD v4.1: 2 of 1,609,126 alleles (0.00012%); highest among the groups gnomAD compares: Admixed American, 0.0017%; no homozygotes.

Submission:

GeneDx
Classification: Uncertain significance. Last evaluated: 2024-10-31. Review status: criteria provided, single submitter. Criteria: GeneDx Variant Classification Process June 2021. Collection method: clinical testing. Allele origin: germline. Affected: yes.
Comment: Not observed at significant frequency in large population cohorts (gnomAD); In silico analysis supports that this missense variant has a deleterious effect on protein structure/function; Has not been previously published as pathogenic or benign to our knowledge

NM_000441.2(SLC26A4):c.2192A>T (p.Asn731Ile)

Genes: SLC26A4 (solute carrier family 26 member 4; plus strand), LOC123956210 (Sharpr-MPRA regulatory region 3291; plus strand). Cytogenetic location: 7q22.3.
Variant type: single nucleotide variant.
Coding change: c.2192A>T on transcript NM_000441.2 (MANE Select); coding-DNA position 2192, A replaced by T.
Protein change: p.Asn731Ile; replaces asparagine 731 with isoleucine.
Molecular consequence: missense variant.
Genome position (GRCh38, 1-based): chr7:107,710,156, A>T. VCF-style: chr7-107710156-A-T. GRCh37 (hg19) VCF-style: chr7-107350601-A-T.
Other names: short protein forms N731I.
Identifiers: ClinVar variation 3897351 (VCV003897351.1).